The following is an entry in ClinVar:

NM_001253852.3(AP4B1):c.69A>G (p.Gln23=)

Genes: AP4B1 (adaptor related protein complex 4 subunit beta 1; minus strand), DCLRE1B (DNA cross-link repair 1B; plus strand), LOC129931235 (ATAC-STARR-seq lymphoblastoid active region 1540; plus strand). Cytogenetic location: 1p13.2.
Variant type: single nucleotide variant.
Coding change: c.69A>G on transcript NM_001253852.3 (MANE Select); coding-DNA position 69, A replaced by G.
Protein change: p.Gln23=; no amino-acid change (glutamine 23 retained).
Molecular consequence: synonymous variant. On other transcripts: 5 prime UTR variant (2).
Genome position (GRCh38, 1-based): chr1:113,904,649, T>C on the plus strand (A>G on the coding strand, the complement: AP4B1 is on the minus strand). VCF-style: chr1-113904649-T-C. GRCh37 (hg19) VCF-style: chr1-114447271-T-C.
Other names: c.-101A>G (NM_001253853.3); c.69A>G, p.Gln23= (NM_001308312.2, NM_001437822.1, NM_001438373.1 and 7 more transcripts); c.-390T>C (NM_001319947.2).
Identifiers: ClinVar variation 157726 (VCV000157726.22), dbSNP rs117872964, ClinGen allele CA171118.

ClinVar aggregate classification (germline): Benign. Review status: criteria provided, multiple submitters, no conflicts (2 of 4 stars). 5 submissions from 5 submitters: Benign (4). 1 of the submissions does not count toward it. Last evaluated 2026-01-20.

Conditions:
Inborn genetic diseases. Identifiers: MedGen C0950123, MeSH D030342.
Hereditary spastic paraplegia 47. Also called: Spastic paraplegia 47, autosomal recessive; adaptor protein 4 (AP-4) deficiency syndrome; CEREBRAL PALSY, SPASTIC QUADRIPLEGIC, 5. Identifiers: Orphanet 280763, MedGen C3279738, MONDO:0013551, OMIM 614066.

Allele frequency attached by ClinVar (database versions not stated): gnomAD exomes 0.00105 and 0.00170; 1000 Genomes Project 0.00499; gnomAD 0.00090 and 0.00053; 1000 Genomes Project 30x 0.00468; ExAC 0.00149; TOPMed 0.00106.

Submissions (18):

Labcorp Genetics (formerly Invitae), Labcorp
Classification: Benign for Hereditary spastic paraplegia 47. Last evaluated: 2026-01-20. Review status: criteria provided, single submitter. Criteria: Invitae Variant Classification Sherloc (09022015). Collection method: clinical testing. Allele origin: germline.

Genome-Nilou Lab
Classification: Benign for Hereditary spastic paraplegia 47. Last evaluated: 2023-04-11. Review status: criteria provided, single submitter. Criteria: ACMG Guidelines, 2015. Collection method: clinical testing. Allele origin: germline. Affected: no.

Ambry Genetics
Classification: Benign for Inborn genetic diseases. Last evaluated: 2016-04-20. Review status: criteria provided, single submitter. Criteria: Ambry Variant Classification Scheme 2023. Collection method: clinical testing. Allele origin: germline.

Breakthrough Genomics
Classification: Benign. Review status: criteria provided, single submitter. Criteria: ACMG Guidelines, 2015. Collection method: not provided. Allele origin: germline. Inheritance: Autosomal recessive inheritance. Affected: yes.

Dr. Peter K. Rogan Lab, Western University
No classification provided (evidence only). Condition: Thyroid cancer, nonmedullary, 1. Review status: no classification provided. Collection method: in vitro. Allele origin: not applicable. Functional consequence: retained intron. Not counted in ClinVar's aggregate classification.

Dr. Peter K. Rogan Lab, Western University
No classification provided (evidence only). Condition: Cervical cancer. Review status: no classification provided. Collection method: in vitro. Allele origin: not applicable. Functional consequence: retained intron. Not counted in ClinVar's aggregate classification.

Dr. Peter K. Rogan Lab, Western University
No classification provided (evidence only). Condition: Ovarian serous cystadenocarcinoma. Review status: no classification provided. Collection method: in vitro. Allele origin: not applicable. Functional consequence: retained intron. Not counted in ClinVar's aggregate classification.

Dr. Peter K. Rogan Lab, Western University
No classification provided (evidence only). Condition: Gastric cancer. Review status: no classification provided. Collection method: in vitro. Allele origin: not applicable. Functional consequence: retained intron. Not counted in ClinVar's aggregate classification.

Dr. Peter K. Rogan Lab, Western University
No classification provided (evidence only). Condition: Hepatocellular carcinoma. Review status: no classification provided. Collection method: in vitro. Allele origin: not applicable. Functional consequence: retained intron. Not counted in ClinVar's aggregate classification.

Dr. Peter K. Rogan Lab, Western University
No classification provided (evidence only). Condition: Hepatocellular carcinoma. Review status: no classification provided. Collection method: in vitro. Allele origin: not applicable. Functional consequence: retained intron. Not counted in ClinVar's aggregate classification.

Dr. Peter K. Rogan Lab, Western University
No classification provided (evidence only). Condition: Hepatocellular carcinoma. Review status: no classification provided. Collection method: in vitro. Allele origin: not applicable. Functional consequence: retained intron. Not counted in ClinVar's aggregate classification.

Dr. Peter K. Rogan Lab, Western University
No classification provided (evidence only). Condition: Clear cell carcinoma of kidney. Review status: no classification provided. Collection method: in vitro. Allele origin: not applicable. Functional consequence: retained intron. Not counted in ClinVar's aggregate classification.

Dr. Peter K. Rogan Lab, Western University
No classification provided (evidence only). Condition: Hepatocellular carcinoma. Review status: no classification provided. Collection method: in vitro. Allele origin: not applicable. Functional consequence: retained intron. Not counted in ClinVar's aggregate classification.

Dr. Peter K. Rogan Lab, Western University
No classification provided (evidence only). Condition: Hepatocellular carcinoma. Review status: no classification provided. Collection method: in vitro. Allele origin: not applicable. Functional consequence: retained intron. Not counted in ClinVar's aggregate classification.

Dr. Peter K. Rogan Lab, Western University
No classification provided (evidence only). Condition: Gastric cancer. Review status: no classification provided. Collection method: in vitro. Allele origin: not applicable. Functional consequence: retained intron. Not counted in ClinVar's aggregate classification.

Dr. Peter K. Rogan Lab, Western University
No classification provided (evidence only). Condition: Gastric cancer. Review status: no classification provided. Collection method: in vitro. Allele origin: not applicable. Functional consequence: retained intron. Not counted in ClinVar's aggregate classification.

Dr. Peter K. Rogan Lab, Western University
No classification provided (evidence only). Condition: Malignant tumor of esophagus. Review status: no classification provided. Collection method: in vitro. Allele origin: not applicable. Functional consequence: retained intron. Not counted in ClinVar's aggregate classification.

Genetic Services Laboratory, University of Chicago
Classification: Likely benign. Review status: no assertion criteria provided. Collection method: clinical testing. Allele origin: germline. Inheritance: Autosomal recessive inheritance. Not counted in ClinVar's aggregate classification.
Comment: Likely benign based on allele frequency in 1000 Genomes Project or ESP global frequency and its presence in a patient with a rare or unrelated disease phenotype. NOT Sanger confirmed